The following is an entry in ClinVar:

ClinVar aggregate classification (germline): Uncertain significance (1 of 4 stars; one submission).

Allele frequency attached by ClinVar (database versions not stated): TOPMed 0.00001; ExAC 0.00003; gnomAD exomes 0.00003; gnomAD 0.00007; ESP Exome Variant Server 0.00008.
gnomAD v4.1: 49 of 1,614,092 alleles (0.003%); highest among the groups gnomAD compares: Non-Finnish European, 0.0039%; no homozygotes.

Submission:

Labcorp Genetics (formerly Invitae), Labcorp
Classification: Uncertain significance. Last evaluated: 2022-03-14. Review status: criteria provided, single submitter. Criteria: Invitae Variant Classification Sherloc (09022015). Collection method: clinical testing. Allele origin: germline.
Comment: In summary, the available evidence is currently insufficient to determine the role of this variant in disease. Therefore, it has been classified as a Variant of Uncertain Significance. Algorithms developed to predict the effect of missense changes on protein structure and function output the following: SIFT: "Tolerated"; PolyPhen-2: "Benign"; Align-GVGD: "Class C0". The aspartic acid amino acid residue is found in multiple mammalian species, which suggests that this missense change does not adversely affect protein function. This variant has not been reported in the literature in individuals affected with LZTFL1-related conditions. This variant is present in population databases (rs376002029, gnomAD 0.01%). This sequence change replaces asparagine, which is neutral and polar, with aspartic acid, which is acidic and polar, at codon 227 of the LZTFL1 protein (p.Asn227Asp).

NM_020347.4(LZTFL1):c.679A>G (p.Asn227Asp)

Gene: LZTFL1 (leucine zipper transcription factor like 1; minus strand). Cytogenetic location: 3p21.31.
Variant type: single nucleotide variant.
Coding change: c.679A>G on transcript NM_020347.4 (MANE Select); coding-DNA position 679, A replaced by G.
Protein change: p.Asn227Asp; replaces asparagine 227 with aspartic acid.
Molecular consequence: missense variant. On other transcripts: non-coding transcript variant (1).
Genome position (GRCh38, 1-based): chr3:45,828,537, T>C on the plus strand (A>G on the coding strand, the complement: LZTFL1 is on the minus strand). VCF-style: chr3-45828537-T-C. GRCh37 (hg19) VCF-style: chr3-45870029-T-C.
Other names: c.628A>G, p.Asn210Asp (NM_001276378.2, NM_001386451.1, NM_001405922.1 and 4 more transcripts); c.667A>G, p.Asn223Asp (NM_001276379.2, NM_001405921.1); c.679A>G, p.Asn227Asp (NM_001386452.1); c.703A>G, p.Asn235Asp (NM_001405920.1, NM_001405925.1); c.613A>G, p.Asn205Asp (NM_001405924.1); short protein forms N210D, N205D, N223D, N235D, N227D.
Identifiers: ClinVar variation 1920289 (VCV001920289.3), dbSNP rs376002029, ClinGen allele CA2351880.